The following is an entry in ClinVar:

NM_014415.4(ZBTB11):c.2572C>T (p.Arg858Trp)

Gene: ZBTB11 (zinc finger and BTB domain containing 11; minus strand). Cytogenetic location: 3q12.3.
Variant type: single nucleotide variant.
Coding change: c.2572C>T on transcript NM_014415.4 (MANE Select); coding-DNA position 2572, C replaced by T.
Protein change: p.Arg858Trp; replaces arginine 858 with tryptophan.
Molecular consequence: missense variant.
Genome position (GRCh38, 1-based): chr3:101,652,568, G>A on the plus strand (C>T on the coding strand, the complement: ZBTB11 is on the minus strand). VCF-style: chr3-101652568-G-A. GRCh37 (hg19) VCF-style: chr3-101371412-G-A.
Other names: short protein forms R858W.
Identifiers: ClinVar variation 3191893 (VCV003191893.2), dbSNP rs533679176, ClinGen allele CA2520906.

ClinVar aggregate classification (germline): Uncertain significance. Review status: criteria provided, multiple submitters, no conflicts (2 of 4 stars). 2 submissions from 2 submitters: Uncertain significance (2). Last evaluated 2025-04-21.

Allele frequency attached by ClinVar (database versions not stated): gnomAD 0.00002; 1000 Genomes Project 30x 0.00016; 1000 Genomes Project 0.00020; ExAC 0.00002; TOPMed 0.00003; gnomAD exomes 0.00001.
gnomAD v4.1: 14 of 1,614,036 alleles (0.00087%); highest among the groups gnomAD compares: Non-Finnish European, 0.0012%; no homozygotes.

Submissions (2):

Greenwood Genetic Center Diagnostic Laboratories, Greenwood Genetic Center
Classification: Uncertain significance. Last evaluated: 2025-04-21. Review status: criteria provided, single submitter. Criteria: ACMG Guidelines, 2015. Collection method: clinical testing. Allele origin: germline. Affected: yes.
Comment: PM2, BP4

Ambry Genetics
Classification: Uncertain significance. Last evaluated: 2024-01-12. Review status: criteria provided, single submitter. Criteria: Ambry Variant Classification Scheme 2023. Collection method: clinical testing. Allele origin: germline.